The following is an entry in ClinVar:

NM_001393504.1(MAST3):c.2546C>T (p.Ala849Val)

Gene: MAST3 (microtubule associated serine/threonine kinase 3; plus strand). Cytogenetic location: 19p13.11.
Variant type: single nucleotide variant.
Coding change: c.2546C>T on transcript NM_001393504.1 (MANE Select); coding-DNA position 2546, C replaced by T.
Protein change: p.Ala849Val; replaces alanine 849 with valine.
Molecular consequence: missense variant.
Genome position (GRCh38, 1-based): chr19:18,143,969, C>T. VCF-style: chr19-18143969-C-T. GRCh37 (hg19) VCF-style: chr19-18254779-C-T.
Other names: c.2570C>T, p.Ala857Val (NM_001393501.1); c.2549C>T, p.Ala850Val (NM_001393502.1); c.2546C>T, p.Ala849Val (NM_001393503.1); c.2543C>T, p.Ala848Val (NM_001393505.1); c.2498C>T, p.Ala833Val (NM_001393506.1, NM_001393513.1); c.2525C>T, p.Ala842Val (NM_001393507.1); c.2480C>T, p.Ala827Val (NM_001393508.1, NM_001393516.1); c.2477C>T, p.Ala826Val (NM_001393509.1, NM_001393510.1, NM_001393512.1 and 2 more transcripts); and 4 more; short protein forms A811V, A819V, A820V, A825V, A826V, A827V, A833V, A842V.
Identifiers: ClinVar variation 3351916 (VCV003351916.1).

ClinVar aggregate classification (germline): Likely benign (0 of 4 stars; one submission).

Conditions:
MAST3-related disorder.

gnomAD v4.1: 30 of 1,592,608 alleles (0.0019%); highest among the groups gnomAD compares: East Asian, 0.036%; no homozygotes.

Submission:

PreventionGenetics, part of Exact Sciences
Classification: Likely benign for MAST3-related condition. Last evaluated: 2024-07-18. Review status: no assertion criteria provided. Collection method: clinical testing. Allele origin: germline.
Comment: This variant is classified as likely benign based on ACMG/AMP sequence variant interpretation guidelines (Richards et al. 2015 PMID: 25741868, with internal and published modifications).